The following is an entry in ClinVar:

ClinVar aggregate classification (germline): Likely pathogenic (1 of 4 stars; one submission).

Conditions:
Autosomal recessive Alport syndrome (ATS2). Also called: COL4A3-Related Nephropathy; COL4A4 Alport Syndrome and Thin Basement Membrane Nephropathy; ALPORT SYNDROME 2, AUTOSOMAL RECESSIVE; Alport syndrome type 2. Identifiers: Orphanet 63, Orphanet 88919, MedGen C4746745, MONDO:0008762, OMIM 203780.

Submission:

Myriad Genetics, Inc.
Classification: Likely pathogenic for Autosomal recessive Alport syndrome. Last evaluated: 2021-11-10. Review status: criteria provided, single submitter. Criteria: Myriad Women's Health Autosomal Recessive and X-Linked Classification Criteria (2021). Collection method: clinical testing. Allele origin: unknown.
Comment: NM_000091.4(COL4A3):c.3206delC(P1069Qfs*85) is expected to be pathogenic in the context of COL4A3-related Alport syndrome. This variant is predicted to lead to an abnormal or absent protein product due to the creation of a premature termination codon in COL4A3, a gene where loss-of-function variants are known to be pathogenic. Please note: this variant was assessed in the context of healthy population screening.

NM_000091.5(COL4A3):c.3206del (p.Pro1069fs)

Genes: MFF-DT (MFF divergent transcript; minus strand), COL4A3 (collagen type IV alpha 3 chain; plus strand). Cytogenetic location: 2q36.3.
Variant type: Deletion.
Coding change: c.3206del on transcript NM_000091.5 (MANE Select); coding-DNA position 3206, one base deleted (C; older notation c.3206delC).
Protein change: p.Pro1069fs; shifts the reading frame from proline 1069.
Molecular consequence: frameshift variant.
Genome position (GRCh38, 1-based): chr2:227,290,882, C deleted; the last of 2 consecutive C bases (chr2:227,290,881-227,290,882); deleting either gives the same sequence. VCF-style (leftmost placement, unchanged base first): chr2-227290880-AC-A. GRCh37 (hg19) VCF-style: chr2-228155596-AC-A.
Other names: short protein forms P1069fs.
Identifiers: ClinVar variation 1724373 (VCV001724373.2), dbSNP rs2469829894, ClinGen allele CA2580065944.